The following is an entry in ClinVar:

ClinVar aggregate classification (germline): Uncertain significance (1 of 4 stars; one submission).

Allele frequency attached by ClinVar (database versions not stated): gnomAD 0.00002; TOPMed 0.00004; ExAC 0.00007; 1000 Genomes Project 30x 0.00016; 1000 Genomes Project 0.00020.
gnomAD v4.1: 50 of 1,612,058 alleles (0.0031%); highest among the groups gnomAD compares: Admixed American, 0.018%; no homozygotes.

Submission:

Labcorp Genetics (formerly Invitae), Labcorp
Classification: Uncertain significance. Last evaluated: 2022-08-12. Review status: criteria provided, single submitter. Criteria: Invitae Variant Classification Sherloc (09022015). Collection method: clinical testing. Allele origin: germline.
Comment: This sequence change replaces arginine, which is basic and polar, with glutamine, which is neutral and polar, at codon 399 of the TOP3A protein (p.Arg399Gln). This variant is present in population databases (rs140080915, gnomAD 0.02%). This variant has not been reported in the literature in individuals affected with TOP3A-related conditions. Algorithms developed to predict the effect of missense changes on protein structure and function output the following: SIFT: "Not Available"; PolyPhen-2: "Benign"; Align-GVGD: "Not Available". The glutamine amino acid residue is found in multiple mammalian species, which suggests that this missense change does not adversely affect protein function. In summary, the available evidence is currently insufficient to determine the role of this variant in disease. Therefore, it has been classified as a Variant of Uncertain Significance.

NM_004618.5(TOP3A):c.1196G>A (p.Arg399Gln)

Gene: TOP3A (DNA topoisomerase III alpha; minus strand). Cytogenetic location: 17p11.2.
Variant type: single nucleotide variant.
Coding change: c.1196G>A on transcript NM_004618.5 (MANE Select); coding-DNA position 1196, G replaced by A.
Protein change: p.Arg399Gln; replaces arginine 399 with glutamine.
Molecular consequence: missense variant.
Genome position (GRCh38, 1-based): chr17:18,292,730, C>T on the plus strand (G>A on the coding strand, the complement: TOP3A is on the minus strand). VCF-style: chr17-18292730-C-T. GRCh37 (hg19) VCF-style: chr17-18196044-C-T.
Other names: c.911G>A, p.Arg304Gln (NM_001320759.2); short protein forms R304Q, R399Q.
Identifiers: ClinVar variation 2419438 (VCV002419438.3), dbSNP rs140080915, ClinGen allele CA8429984.
Genomic context (GRCh38, chr17:18,292,730, plus strand): 5'-GGGTGAATGGGAGGGTGAGCTTGGTCAGACTTGTTCCCATTGCGTGGGGTGGGACCACCC[C>T]GCTCTAGAATGCTCTGGGCAAAGGCCCCCCAGCGTGGATCGGGGGTCTGCTGTTCCACCA-3'
Protein context (NP_004609.1, residues 389-409): WGAFAQSILE[Arg399Gln]GGPTPRNGNK